The following is an entry in ClinVar:

ClinVar aggregate classification (germline): Likely benign (1 of 4 stars; one submission).

Submission:

CeGaT Center for Human Genetics Tuebingen
Classification: Likely benign. Last evaluated: 2024-07-01. Review status: criteria provided, single submitter. Criteria: CeGaT Center For Human Genetics Tuebingen Variant Classification Criteria Version 2. Collection method: clinical testing. Allele origin: germline. Affected: yes. Observed: 1 variant allele.
Comment: TLR7: PM2:Supporting, BP4, BP7

NM_016562.4(TLR7):c.1242C>T (p.Leu414=)

Gene: TLR7 (toll like receptor 7; plus strand). Cytogenetic location: Xp22.2.
Variant type: single nucleotide variant.
Coding change: c.1242C>T on transcript NM_016562.4 (MANE Select); coding-DNA position 1242, C replaced by T.
Protein change: p.Leu414=; no amino-acid change (leucine 414 retained).
Molecular consequence: synonymous variant.
Genome position (GRCh38, 1-based): chrX:12,886,750, C>T. VCF-style: chrX-12886750-C-T. GRCh37 (hg19) VCF-style: chrX-12904869-C-T.
Identifiers: ClinVar variation 3257333 (VCV003257333.17).